The following is an entry in ClinVar:

ClinVar aggregate classification (germline): Uncertain significance (1 of 4 stars; one submission).

Conditions:
Facioscapulohumeral muscular dystrophy 2 (FSHD2). Also called: MUSCULAR DYSTROPHY, FACIOSCAPULOHUMERAL, TYPE 1B; FACIOSCAPULOHUMERAL MUSCULAR DYSTROPHY 2, DIGENIC; FSHD2, DIGENIC. Identifiers: Orphanet 269, MedGen C1834671, MONDO:0008031, OMIM 158901.

Submission:

Labcorp Genetics (formerly Invitae), Labcorp
Classification: Uncertain significance for Facioscapulohumeral muscular dystrophy 2. Last evaluated: 2019-08-23. Review status: criteria provided, single submitter. Criteria: Invitae Variant Classification Sherloc (09022015). Collection method: clinical testing. Allele origin: germline.
Comment: In summary, the available evidence is currently insufficient to determine the role of this variant in disease. Therefore, it has been classified as a Variant of Uncertain Significance. Nucleotide substitutions within the consensus splice site are a relatively common cause of aberrant splicing (PMID: 17576681, 9536098). Algorithms developed to predict the effect of sequence changes on RNA splicing suggest that this variant may disrupt the consensus splice site, but this prediction has not been confirmed by published transcriptional studies. This variant has not been reported in the literature in individuals with SMCHD1-related conditions. This variant is not present in population databases (ExAC no frequency). This sequence change falls in intron 26 of the SMCHD1 gene. It does not directly change the encoded amino acid sequence of the SMCHD1 protein, but it affects a nucleotide within the consensus splice site of the intron.

Literature cited by the submitters: PubMed 17576681; PubMed 9536098.

NM_015295.3(SMCHD1):c.3425+5G>C

Gene: SMCHD1 (structural maintenance of chromosomes flexible hinge domain containing 1; plus strand). Cytogenetic location: 18p11.32.
Variant type: single nucleotide variant.
Coding change: c.3425+5G>C on transcript NM_015295.3 (MANE Select); 5 bases into the intron after coding-DNA position 3425, G replaced by C.
Molecular consequence: intron variant.
Genome position (GRCh38, 1-based): chr18:2,738,550, G>C. VCF-style: chr18-2738550-G-C. GRCh37 (hg19) VCF-style: chr18-2738548-G-C.
Identifiers: ClinVar variation 962022 (VCV000962022.7), dbSNP rs2075292456, ClinGen allele CA1139665940.
Genomic context (GRCh38, chr18:2,738,550, plus strand): 5'-TGCCAGGTTTCATTCCAAGATGATCATGTGTCTTTGGAAAGTGCGTTTACAGTAAGGTTT[G>C]TGGACTCATTATATTTTGCAGCCTATGGCAACAAAATACTGTCCTCCATTGCACATATAT-3'